The following is an entry in ClinVar:

NM_022089.4(ATP13A2):c.3281del (p.Gly1094fs)

Gene: ATP13A2 (ATPase cation transporting 13A2; minus strand). Cytogenetic location: 1p36.13.
Variant type: Deletion.
Coding change: c.3281del on transcript NM_022089.4 (MANE Select); coding-DNA position 3281, one base deleted (G; older notation c.3281delG).
Protein change: p.Gly1094fs; shifts the reading frame from glycine 1094.
Molecular consequence: frameshift variant. On other transcripts: intron variant (1).
Genome position (GRCh38, 1-based): chr1:16,986,587, C deleted on the plus strand (G on the coding strand, the reverse complement: ATP13A2 is on the minus strand); the first of 3 consecutive C bases (chr1:16,986,587-16,986,589); deleting any one gives the same sequence. VCF-style (leftmost placement, unchanged base first): chr1-16986586-GC-G. GRCh37 (hg19) VCF-style: chr1-17313081-GC-G.
Other names: c.3266del, p.Gly1089fs (NM_001141973.3); c.3103+218del (NM_001141974.3); short protein forms G1089fs, G1094fs.
Identifiers: ClinVar variation 1878290 (VCV001878290.1), dbSNP rs2522710840, ClinGen allele CA2580060617.
Genomic context (GRCh38, chr1:16,986,586, plus strand): 5'-GGTGTCAGTGATGTTCCTCAGCGCCAGCGGCCCCTGCAGGAGGCCGGGGACCAGGACAAG[GC>G]CCACCAGGACGGAGCTCAGGAGCGCCAGGGCCACCAGGAAGGGCACTGGGAGCAGGAGAG-3'

ClinVar aggregate classification (germline): Likely pathogenic (1 of 4 stars; one submission).

Conditions:
Neurodegeneration with brain iron accumulation (NBIA). Identifiers: Orphanet 385, MedGen C2931845, MONDO:0018307.

Submission:

Women's Health and Genetics/Laboratory Corporation of America, LabCorp
Classification: Likely pathogenic for Neurodegeneration with brain iron accumulation. Last evaluated: 2022-12-12. Review status: criteria provided, single submitter. Criteria: LabCorp Variant Classification Summary - May 2015. Collection method: clinical testing. Allele origin: germline.
Comment: Variant summary: ATP13A2 c.3281delG (p.Gly1094AlafsX15) results in a premature termination codon, predicted to cause a truncation of the encoded protein or absence of the protein due to nonsense mediated decay, which are commonly known mechanisms for disease. Truncations downstream of this position have been cited as pathogenic and disease-associated in ClinVar and HGMD. The variant was absent in 244748 control chromosomes. To our knowledge, no occurrence of c.3281delG in individuals affected with Neurodegeneration With Brain Iron Accumulation and no experimental evidence demonstrating its impact on protein function have been reported. No clinical diagnostic laboratories have submitted clinical-significance assessments for this variant to ClinVar after 2014. Based on the evidence outlined above, the variant was classified as likely pathogenic.